The following is an entry in ClinVar:

ClinVar aggregate classification (germline): Benign/Likely benign. Review status: criteria provided, multiple submitters, no conflicts (2 of 4 stars). 6 submissions from 6 submitters: Benign (4); Likely benign (2). Last evaluated 2026-02-03.

Allele frequency attached by ClinVar (database versions not stated): 1000 Genomes Project 0.01577; 1000 Genomes Project 30x 0.01686; TOPMed 0.02580; ESP Exome Variant Server 0.02999; gnomAD 0.03033 and 0.03155; gnomAD exomes 0.03132 and 0.03779; ExAC 0.03233.
gnomAD v4.1: 59,617 of 1,613,948 alleles (3.7%); highest among the groups gnomAD compares: Non-Finnish European, 4.1%; 1,344 homozygotes.

Submissions (6):

Labcorp Genetics (formerly Invitae), Labcorp
Classification: Benign. Last evaluated: 2026-02-03. Review status: criteria provided, single submitter. Criteria: Invitae Variant Classification Sherloc (09022015). Collection method: clinical testing. Allele origin: germline.

Mayo Clinic Laboratories, Mayo Clinic
Classification: Benign. Last evaluated: 2025-05-21. Review status: criteria provided, single submitter. Criteria: ACMG Guidelines, 2015. Collection method: clinical testing. Allele origin: germline. Observed: 181 variant alleles.

Blueprint Genetics
Classification: Likely benign. Last evaluated: 2024-11-27. Review status: criteria provided, single submitter. Criteria: ACMG Guidelines, 2015. Collection method: clinical testing. Allele origin: germline.

GeneDx
Classification: Benign. Last evaluated: 2020-05-04. Review status: criteria provided, single submitter. Criteria: GeneDx Variant Classification Process June 2021. Collection method: clinical testing. Allele origin: germline. Affected: yes.
Comment: This variant is associated with the following publications: (PMID: 22768050)

Breakthrough Genomics
Classification: Likely benign. Review status: criteria provided, single submitter. Criteria: ACMG Guidelines, 2015. Collection method: not provided. Allele origin: germline. Inheritance: Autosomal recessive inheritance. Affected: yes.

PreventionGenetics, part of Exact Sciences
Classification: Benign. Review status: criteria provided, single submitter. Criteria: ACMG Guidelines, 2015. Collection method: clinical testing. Allele origin: germline.

Literature cited by the submitters: PubMed 34662354 (cited by Mayo Clinic Laboratories, Mayo Clinic).

NM_139027.6(ADAMTS13):c.2910C>T (p.Val970=)

Gene: ADAMTS13 (ADAM metallopeptidase with thrombospondin type 1 motif 13; plus strand). Cytogenetic location: 9q34.2.
Variant type: single nucleotide variant.
Coding change: c.2910C>T on transcript NM_139027.6 (MANE Select); coding-DNA position 2910, C replaced by T.
Protein change: p.Val970=; no amino-acid change (valine 970 retained).
Molecular consequence: synonymous variant. On other transcripts: non-coding transcript variant (1).
Genome position (GRCh38, 1-based): chr9:133,449,831, C>T. VCF-style: chr9-133449831-C-T. GRCh37 (hg19) VCF-style: chr9-136314952-C-T.
Other names: p.Val970=; c.2910C>T, p.Val970= (NM_139025.5); c.2817C>T, p.Val939= (NM_139026.6); c.2910C>T (NM_139025.3).
Identifiers: ClinVar variation 262438 (VCV000262438.16), dbSNP rs28641026, ClinGen allele CA10587041.